The following is an entry in ClinVar:

NM_000077.5(CDKN2A):c.258C>T (p.Ala86=)

Gene: CDKN2A (cyclin dependent kinase inhibitor 2A; minus strand). Cytogenetic location: 9p21.3.
Variant type: single nucleotide variant.
Coding change: c.258C>T on transcript NM_000077.5; coding-DNA position 258, C replaced by T.
Protein change: p.Ala86=; no amino-acid change (alanine 86 retained).
Molecular consequence: synonymous variant (on NM_001195132.2). On other transcripts: missense variant (1), 3 prime UTR variant (1).
Genome position (GRCh38, 1-based): chr9:21,971,101, G>A on the plus strand (C>T on the coding strand, the complement: CDKN2A is on the minus strand). VCF-style: chr9-21971101-G-A. GRCh37 (hg19) VCF-style: chr9-21971100-G-A.
Other names: c.258C>T, p.Ala86= (NM_001195132.2, NM_000077.6); c.105C>T, p.Ala35= (NM_001363763.2); c.301C>T, p.Pro101Ser (NM_058195.4); c.*181C>T (NM_058197.5); short protein forms P101S.
Identifiers: ClinVar variation 833612 (VCV000833612.14), dbSNP rs1001405220, ClinGen allele CA190730101.

ClinVar aggregate classification (germline): Conflicting classifications of pathogenicity. Review status: criteria provided, conflicting classifications (1 of 4 stars). 4 submissions from 4 submitters: Uncertain significance (2); Likely benign (2). Last evaluated 2025-10-13.

Conditions:
Familial melanoma. Also called: Hereditary melanoma; Hereditary cutaneous melanoma. Identifiers: Orphanet 618, MedGen C1512419, MONDO:0018961.
Hereditary cancer-predisposing syndrome. Also called: Neoplastic Syndromes, Hereditary; Tumor predisposition; Hereditary Cancer Syndrome; Hereditary neoplastic syndrome. Identifiers: Orphanet 140162, MedGen C0027672, MeSH D009386, MONDO:0015356.

Allele frequency attached by ClinVar (database versions not stated): gnomAD 0.00001; TOPMed 0.00002.
gnomAD v4.1: 2 of 1,604,598 alleles (0.00012%); highest among the groups gnomAD compares: African/African-American, 0.0027%; no homozygotes.

Submissions (4):

Labcorp Genetics (formerly Invitae), Labcorp
Classification: Likely benign for Familial melanoma. Last evaluated: 2025-10-13. Review status: criteria provided, single submitter. Criteria: Invitae Variant Classification Sherloc (09022015). Collection method: clinical testing. Allele origin: germline.

Ambry Genetics
Classification: Uncertain significance for Hereditary cancer-predisposing syndrome. Last evaluated: 2024-09-18. Review status: criteria provided, single submitter. Criteria: Ambry Variant Classification Scheme 2023. Collection method: clinical testing. Allele origin: germline.
Comment: The c.258C>T variant (also known as p.A86A), located in coding exon 2 of the CDKN2A gene, results from a C to T substitution at nucleotide position 301 and does not change the amino acid at position 86 of the p16 isoform.Of note, this variant is also known as p.P101S (c.301C>T)in the p14(ARF) isoform and results from a proline to serine substitution at nucleotide position 101. The evidence supporting a relationship between p14(ARF) and melanoma-pancreatic cancer syndrome is limited; therefore, the association of this variant with this gene-disease relationship is unknown. However, the association of this variant in the p16 isoform with melanoma-pancreatic cancer syndrome is unlikely.

GeneDx
Classification: Uncertain significance. Last evaluated: 2024-01-19. Review status: criteria provided, single submitter. Criteria: GeneDx Variant Classification Process June 2021. Collection method: clinical testing. Allele origin: germline. Affected: yes.
Comment: Not observed at significant frequency in large population cohorts (gnomAD); In silico analysis supports that this variant does not alter splicing; Has not been previously published as pathogenic or benign to our knowledge; Reported using an alternate transcript of the gene; This variant is associated with the following publications: (PMID: 35446184)

Women's Health and Genetics/Laboratory Corporation of America, LabCorp
Classification: Likely benign. Last evaluated: 2021-05-02. Review status: criteria provided, single submitter. Criteria: LabCorp Variant Classification Summary - May 2015. Collection method: clinical testing. Allele origin: germline.